The following is an entry in ClinVar:

ClinVar aggregate classification (germline): Likely pathogenic (1 of 4 stars; one submission).

Conditions:
Mucopolysaccharidosis, MPS-IV-B (MPS4B). Also called: Mucopolysaccharidosis type 4B; Mucopolysaccharidosis type IVB (Morquio); MPS IVB; MORQUIO SYNDROME B; Mucopolysaccharidosis type IV B; Mucopolysaccharidosis Type IVB. Identifiers: Orphanet 309310, Orphanet 582, MedGen C0086652, MONDO:0009660, OMIM 253010.
GM1 gangliosidosis. Identifiers: Orphanet 354, MedGen C0085131, MONDO:0018149.

Submission:

Labcorp Genetics (formerly Invitae), Labcorp
Classification: Likely pathogenic for Mucopolysaccharidosis, MPS-IV-B; GM1 gangliosidosis. Last evaluated: 2022-11-24. Review status: criteria provided, single submitter. Criteria: Invitae Variant Classification Sherloc (09022015). Collection method: clinical testing. Allele origin: germline.
Comment: This sequence change replaces proline, which is neutral and non-polar, with serine, which is neutral and polar, at codon 397 of the GLB1 protein (p.Pro397Ser). Information on the frequency of this variant in the gnomAD database is not available, as this variant may be reported differently in the database. A different variant (c.1189C>T) giving rise to the same protein effect has been determined to be pathogenic (Invitae). This suggests that this variant is also likely to be causative of disease. In summary, the currently available evidence indicates that the variant is pathogenic, but additional data are needed to prove that conclusively. Therefore, this variant has been classified as Likely Pathogenic.

NM_000404.4(GLB1):c.1188_1189delinsCT (p.Pro397Ser)

Gene: GLB1 (galactosidase beta 1; minus strand). Cytogenetic location: 3p22.3.
Variant type: Indel.
Coding change: c.1188_1189delinsCT on transcript NM_000404.4 (MANE Select); coding-DNA positions 1188 to 1189, GC replaced by CT.
Protein change: p.Pro397Ser; replaces proline 397 with serine.
Molecular consequence: missense variant.
Genome position (GRCh38, 1-based): chr3:33,021,610-33,021,611, GC replaced by AG on the plus strand (GC replaced by CT on the coding strand, the reverse complement: GLB1 is on the minus strand). VCF-style: chr3-33021610-GC-AG. GRCh37 (hg19) VCF-style: chr3-33063102-GC-AG.
Other names: c.1098_1099delinsCT, p.Pro367Ser (NM_001079811.3); c.795_796delinsCT, p.Pro266Ser (NM_001135602.3); c.1332_1333delinsCT, p.Pro445Ser (NM_001317040.2); c.1188_1189delinsCT, p.Pro397Ser (NM_001393580.1); short protein forms P266S, P397S, P367S, P445S.
Identifiers: ClinVar variation 2941816 (VCV002941816.3), dbSNP rs2471270873, ClinGen allele CA2740094331.